The following is an entry in ClinVar:

ClinVar aggregate classification (germline): Benign/Likely benign. Review status: criteria provided, multiple submitters, no conflicts (2 of 4 stars). 5 submissions from 5 submitters: Benign (1); Likely benign (1). 3 of the submissions do not count toward it. Last evaluated 2026-01-28.

Conditions:
Methylmalonic acidemia with homocystinuria, type cblX (MAHCX). Also called: INTELLECTUAL DEVELOPMENTAL DISORDER, X-LINKED 3. Identifiers: Orphanet 369962, MedGen C0796208, MONDO:0010657, OMIM 309541.
HCFC1-related disorder. Also called: HCFC1-related condition.

Allele frequency attached by ClinVar (database versions not stated): gnomAD 0.00027 and 0.00033; gnomAD exomes 0.00035 and 0.00115; TOPMed 0.00064; ExAC 0.00101; 1000 Genomes Project 30x 0.00104; 1000 Genomes Project 0.00132.

Submissions (5):

Labcorp Genetics (formerly Invitae), Labcorp
Classification: Benign for Methylmalonic acidemia with homocystinuria, type cblX. Last evaluated: 2026-01-28. Review status: criteria provided, single submitter. Criteria: Invitae Variant Classification Sherloc (09022015). Collection method: clinical testing. Allele origin: germline.

GeneDx
Classification: Likely benign. Last evaluated: 2016-02-15. Review status: criteria provided, single submitter. Criteria: GeneDx Variant Classification (06012015). Collection method: clinical testing. Allele origin: germline. Affected: yes.
Comment: This variant is considered likely benign or benign based on one or more of the following criteria: it is a conservative change, it occurs at a poorly conserved position in the protein, it is predicted to be benign by multiple in silico algorithms, and/or has population frequency not consistent with disease.

PreventionGenetics, part of Exact Sciences
Classification: Benign for HCFC1-related condition. Last evaluated: 2019-12-16. Review status: no assertion criteria provided. Collection method: clinical testing. Allele origin: germline. Not counted in ClinVar's aggregate classification.
Comment: This variant is classified as benign based on ACMG/AMP sequence variant interpretation guidelines (Richards et al. 2015 PMID: 25741868, with internal and published modifications).

Clinical Genetics DNA and cytogenetics Diagnostics Lab, Erasmus MC, Erasmus Medical Center
Classification: Benign. Review status: no assertion criteria provided. Collection method: clinical testing. Allele origin: germline. Affected: yes. Study: VKGL Data-share Consensus. Not counted in ClinVar's aggregate classification.

Genome Diagnostics Laboratory, University Medical Center Utrecht
Classification: Likely benign. Review status: no assertion criteria provided. Collection method: clinical testing. Allele origin: germline. Affected: yes. Study: VKGL Data-share Consensus. Not counted in ClinVar's aggregate classification.

NM_005334.3(HCFC1):c.4442C>T (p.Thr1481Met)

Genes: HCFC1 (host cell factor C1; minus strand), LOC130068842 (ATAC-STARR-seq lymphoblastoid active region 30044; plus strand). Cytogenetic location: Xq28.
Variant type: single nucleotide variant.
Coding change: c.4442C>T on transcript NM_005334.3 (MANE Select); coding-DNA position 4442, C replaced by T.
Protein change: p.Thr1481Met; replaces threonine 1481 with methionine.
Molecular consequence: missense variant.
Genome position (GRCh38, 1-based): chrX:153,953,662, G>A on the plus strand (C>T on the coding strand, the complement: HCFC1 is on the minus strand). VCF-style: chrX-153953662-G-A. GRCh37 (hg19) VCF-style: chrX-153219113-G-A.
Other names: short protein forms T1481M.
Identifiers: ClinVar variation 382802 (VCV000382802.15), dbSNP rs199798029, ClinGen allele CA10556991.